The following is an entry in ClinVar:

NM_000082.4(ERCC8):c.803G>T (p.Arg268Leu)

Gene: ERCC8 (ERCC excision repair 8, CSA ubiquitin ligase complex subunit; minus strand). Cytogenetic location: 5q12.1.
Variant type: single nucleotide variant.
Coding change: c.803G>T on transcript NM_000082.4 (MANE Select); coding-DNA position 803, G replaced by T.
Protein change: p.Arg268Leu; replaces arginine 268 with leucine.
Molecular consequence: missense variant.
Genome position (GRCh38, 1-based): chr5:60,898,316, C>A on the plus strand (G>T on the coding strand, the complement: ERCC8 is on the minus strand). VCF-style: chr5-60898316-C-A. GRCh37 (hg19) VCF-style: chr5-60194143-C-A.
Other names: c.629G>T, p.Arg210Leu (NM_001007233.3); c.344G>T, p.Arg115Leu (NM_001290285.2); short protein forms R210L, R115L, R268L.
Identifiers: ClinVar variation 2161721 (VCV002161721.1), dbSNP rs780533651, ClinGen allele CA359824905.

ClinVar aggregate classification (germline): Uncertain significance (1 of 4 stars; one submission).

Submission:

Labcorp Genetics (formerly Invitae), Labcorp
Classification: Uncertain significance. Last evaluated: 2022-03-11. Review status: criteria provided, single submitter. Criteria: Invitae Variant Classification Sherloc (09022015). Collection method: clinical testing. Allele origin: germline.
Comment: This sequence change replaces arginine, which is basic and polar, with leucine, which is neutral and non-polar, at codon 268 of the ERCC8 protein (p.Arg268Leu). This variant is present in population databases (no rsID available, gnomAD 0.0009%). This variant has not been reported in the literature in individuals affected with ERCC8-related conditions. Algorithms developed to predict the effect of missense changes on protein structure and function are either unavailable or do not agree on the potential impact of this missense change (SIFT: "Deleterious"; PolyPhen-2: "Benign"; Align-GVGD: "Class C0"). In summary, the available evidence is currently insufficient to determine the role of this variant in disease. Therefore, it has been classified as a Variant of Uncertain Significance.